The following is an entry in ClinVar:

ClinVar aggregate classification (germline): Uncertain significance (1 of 4 stars; one submission).

Submission:

CeGaT Center for Human Genetics Tuebingen
Classification: Uncertain significance. Last evaluated: 2026-02-01. Review status: criteria provided, single submitter. Criteria: CeGaT Center For Human Genetics Tuebingen Variant Classification Criteria Version 2. Collection method: clinical testing. Allele origin: germline. Affected: yes. Observed: 1 variant allele.
Comment: HCN2: PM2

NM_001194.4(HCN2):c.421_422delinsTT (p.Ala141Leu)

Gene: HCN2 (hyperpolarization activated cyclic nucleotide gated potassium and sodium channel 2; plus strand). Cytogenetic location: 19p13.3.
Variant type: Indel.
Coding change: c.421_422delinsTT on transcript NM_001194.4 (MANE Select); coding-DNA positions 421 to 422, GC replaced by TT.
Protein change: p.Ala141Leu; replaces alanine 141 with leucine.
Molecular consequence: missense variant.
Genome position (GRCh38, 1-based): chr19:590,366-590,367, GC replaced by TT. VCF-style: chr19-590366-GC-TT. GRCh37 (hg19) VCF-style: chr19-590366-GC-TT.
Other names: short protein forms A141L.
Identifiers: ClinVar variation 4823066 (VCV004823066.4).
Genomic context (GRCh38, chr19:590,366, plus strand): 5'-CCCAAGGTGTCGTTCTCGTGCCGCGGGGCGGCCTCGGGGCCCGCGCCGGGGCCGGGGCCG[GC>TT]GGAGGAGGCGGGCAGCGAGGAGGCGGGCCCGGCGGGGGAGCCGCGCGGCAGCCAGGCCAG-3'
Protein context (NP_001185.3, residues 131-151): ASGPAPGPGP[Ala141Leu]EEAGSEEAGP